The following is an entry in ClinVar:

ClinVar aggregate classification (germline): Pathogenic (1 of 4 stars; one submission).

Conditions:
Neurofibromatosis, type 1 (NF1). Also called: Peripheral type neurofibromatosis; NEUROFIBROMATOSIS, TYPE I, SOMATIC; VON RECKLINGHAUSEN DISEASE; Neurofibromatosis, type I. Identifiers: Orphanet 636, MedGen C0027831, MONDO:0018975, OMIM 162200. Disease mechanism: loss of function.

Submission:

Labcorp Genetics (formerly Invitae), Labcorp
Classification: Pathogenic for Neurofibromatosis, type 1. Last evaluated: 2023-07-31. Review status: criteria provided, single submitter. Criteria: Invitae Variant Classification Sherloc (09022015). Collection method: clinical testing. Allele origin: germline.
Comment: For these reasons, this variant has been classified as Pathogenic. This variant has not been reported in the literature in individuals affected with NF1-related conditions. This variant is not present in population databases (gnomAD no frequency). This sequence change creates a premature translational stop signal (p.Asn1154Metfs*4) in the NF1 gene. It is expected to result in an absent or disrupted protein product. Loss-of-function variants in NF1 are known to be pathogenic (PMID: 10712197, 23913538).

Literature cited by the submitters: PubMed 10712197; PubMed 23913538.

NM_001042492.3(NF1):c.3461del (p.Asn1154fs)

Gene: NF1 (neurofibromin 1; plus strand). Cytogenetic location: 17q11.2.
Variant type: Deletion.
Coding change: c.3461del on transcript NM_001042492.3 (MANE Select); coding-DNA position 3461, one base deleted (A; older notation c.3461delA).
Protein change: p.Asn1154fs; shifts the reading frame from asparagine 1154.
Molecular consequence: frameshift variant.
Genome position (GRCh38, 1-based): chr17:31,232,846, A deleted; the last of 2 consecutive A bases (chr17:31,232,845-31,232,846); deleting either gives the same sequence. VCF-style (leftmost placement, unchanged base first): chr17-31232844-CA-C. GRCh37 (hg19) VCF-style: chr17-29559862-CA-C.
Other names: c.3461delA, p.Asn1154Metfs (NM_000267.4); short protein forms N1154fs.
Identifiers: ClinVar variation 2748778 (VCV002748778.3), dbSNP rs1597719643, ClinGen allele CA2697559794.